The following is an entry in ClinVar:

NM_177438.3(DICER1):c.4295C>G (p.Pro1432Arg)

Gene: DICER1 (dicer 1, ribonuclease III; minus strand). Cytogenetic location: 14q32.13.
Variant type: single nucleotide variant.
Coding change: c.4295C>G on transcript NM_177438.3 (MANE Select); coding-DNA position 4295, C replaced by G.
Protein change: p.Pro1432Arg; replaces proline 1432 with arginine.
Molecular consequence: missense variant.
Genome position (GRCh38, 1-based): chr14:95,096,625, G>C on the plus strand (C>G on the coding strand, the complement: DICER1 is on the minus strand). VCF-style: chr14-95096625-G-C. GRCh37 (hg19) VCF-style: chr14-95562962-G-C.
Other names: c.4295C>G (NM_177438.2); c.4295C>G, p.Pro1432Arg (NM_001195573.1, NM_001271282.3, NM_001291628.2 and 1 more transcripts); short protein forms P1432R.
Identifiers: ClinVar variation 1039755 (VCV001039755.11), dbSNP rs747593690, ClinGen allele CA390869484.

ClinVar aggregate classification (germline): Uncertain significance. Review status: criteria provided, multiple submitters, no conflicts (2 of 4 stars). 2 submissions from 2 submitters: Uncertain significance (2). Last evaluated 2026-06-09.

Conditions:
DICER1-related tumor predisposition. Also called: DICER1 syndrome; DICER1-related pleuropulmonary blastoma cancer predisposition syndrome. Identifiers: Orphanet 284343, MedGen C3839822, MONDO:0100216.
Hereditary cancer-predisposing syndrome. Also called: Hereditary neoplastic syndrome; Neoplastic Syndromes, Hereditary; Tumor predisposition; Hereditary Cancer Syndrome. Identifiers: Orphanet 140162, MedGen C0027672, MeSH D009386, MONDO:0015356.

gnomAD v4.1: 2 of 1,611,550 alleles (0.00012%); highest among the groups gnomAD compares: Non-Finnish European, 0.00017%; no homozygotes.

Submissions (2):

Ambry Genetics
Classification: Uncertain significance for Hereditary cancer-predisposing syndrome. Last evaluated: 2026-06-09. Review status: criteria provided, single submitter. Criteria: Ambry Variant Classification Scheme 2023. Collection method: clinical testing. Allele origin: germline.
Comment: The p.P1432R variant (also known as c.4295C>G), located in coding exon 22 of the DICER1 gene, results from a C to G substitution at nucleotide position 4295. The proline at codon 1432 is replaced by arginine, an amino acid with dissimilar properties. This amino acid position is highly conserved in available vertebrate species. In addition, this alteration is predicted to be deleterious by in silico analysis. Based on the available evidence, the clinical significance of this variant remains unclear.

Labcorp Genetics (formerly Invitae), Labcorp
Classification: Uncertain significance for DICER1-related tumor predisposition. Last evaluated: 2020-01-14. Review status: criteria provided, single submitter. Criteria: Invitae Variant Classification Sherloc (09022015). Collection method: clinical testing. Allele origin: germline.
Comment: In summary, the available evidence is currently insufficient to determine the role of this variant in disease. Therefore, it has been classified as a Variant of Uncertain Significance. Algorithms developed to predict the effect of missense changes on protein structure and function are either unavailable or do not agree on the potential impact of this missense change (SIFT: "Deleterious"; PolyPhen-2: "Probably Damaging"; Align-GVGD: "Class C0"). This variant has not been reported in the literature in individuals with DICER1-related conditions. This variant is not present in population databases (ExAC no frequency). This sequence change replaces proline with arginine at codon 1432 of the DICER1 protein (p.Pro1432Arg). The proline residue is highly conserved and there is a moderate physicochemical difference between proline and arginine.